The following is an entry in ClinVar:

ClinVar aggregate classification (germline): Uncertain significance. Review status: criteria provided, multiple submitters, no conflicts (2 of 4 stars). 2 submissions from 2 submitters: Uncertain significance (2). Last evaluated 2026-03-10.

Conditions:
PLXNA2-related disorder. Also called: PLXNA2-related condition.

gnomAD v4.1: 12 of 1,613,516 alleles (0.00074%); highest among the groups gnomAD compares: Non-Finnish European, 0.001%; no homozygotes.

Submissions (2):

PreventionGenetics, part of Exact Sciences
Classification: Uncertain significance for PLXNA2-related condition. Last evaluated: 2026-03-10. Review status: criteria provided, single submitter. Criteria: ACMG Guidelines, 2015. Collection method: clinical testing. Allele origin: germline.
Comment: The PLXNA2 c.1744G>A variant is predicted to result in the amino acid substitution p.Val582Met. To our knowledge, this variant has not been reported in the literature. This variant is reported in 0.0027% of alleles in individuals of European (Non-Finnish) descent in gnomAD. At this time, the clinical significance of this variant is uncertain due to the absence of conclusive functional and genetic evidence.

Ambry Genetics
Classification: Uncertain significance. Last evaluated: 2025-06-12. Review status: criteria provided, single submitter. Criteria: Ambry Variant Classification Scheme 2023. Collection method: clinical testing. Allele origin: germline.

NM_025179.4(PLXNA2):c.1744G>A (p.Val582Met)

Gene: PLXNA2 (plexin A2; minus strand). Cytogenetic location: 1q32.2.
Variant type: single nucleotide variant.
Coding change: c.1744G>A on transcript NM_025179.4 (MANE Select); coding-DNA position 1744, G replaced by A.
Protein change: p.Val582Met; replaces valine 582 with methionine.
Molecular consequence: missense variant.
Genome position (GRCh38, 1-based): chr1:208,096,871, C>T on the plus strand (G>A on the coding strand, the complement: PLXNA2 is on the minus strand). VCF-style: chr1-208096871-C-T. GRCh37 (hg19) VCF-style: chr1-208270216-C-T.
Other names: short protein forms V582M.
Identifiers: ClinVar variation 3934779 (VCV003934779.2).
Genomic context (GRCh38, chr1:208,096,871, plus strand): 5'-CCTCTGTCAGGTTCCCAAAGGCACAGGCGATACCCGCAGATAGATCAGGAGCATCACTCA[C>T]TACCAGGCTAAGCTGTGGGAGGAGCAAAGAGATGATGCCAAAGAAATGCCTCAGGAGACC-3'
Protein context (NP_079455.3, residues 572-592): SEHSRLLSLV[Val582Met]SDAPDLSAGI